The following is an entry in ClinVar:

NM_000548.5(TSC2):c.3323C>T (p.Ala1108Val)

Gene: TSC2 (TSC complex subunit 2; plus strand). Cytogenetic location: 16p13.3.
Variant type: single nucleotide variant.
Coding change: c.3323C>T on transcript NM_000548.5 (MANE Select); coding-DNA position 3323, C replaced by T.
Protein change: p.Ala1108Val; replaces alanine 1108 with valine.
Molecular consequence: missense variant.
Genome position (GRCh38, 1-based): chr16:2,079,595, C>T. VCF-style: chr16-2079595-C-T. GRCh37 (hg19) VCF-style: chr16-2129596-C-T.
Other names: c.3191C>T, p.Ala1064Val (NM_001077183.3, NM_001370404.1); c.3323C>T, p.Ala1108Val (NM_001114382.3); c.3083C>T, p.Ala1028Val (NM_001318827.2); c.3047C>T, p.Ala1016Val (NM_001318829.2); c.2591C>T, p.Ala864Val (NM_001318831.2); c.3224C>T, p.Ala1075Val (NM_001318832.2); c.3194C>T, p.Ala1065Val (NM_001363528.2, NM_001370405.1, NM_021055.3); short protein forms A1108V, A1016V, A1064V, A864V, A1065V, A1028V, A1075V.
Identifiers: ClinVar variation 141482 (VCV000141482.23), dbSNP rs587781782, ClinGen allele CA018885.

ClinVar aggregate classification (germline): Conflicting classifications of pathogenicity. Review status: criteria provided, conflicting classifications (1 of 4 stars). 5 submissions from 5 submitters: Uncertain significance (2); Likely benign (3). Last evaluated 2026-01-14.

Conditions:
Hereditary cancer-predisposing syndrome. Also called: Neoplastic Syndromes, Hereditary; Hereditary Cancer Syndrome; Hereditary neoplastic syndrome; Tumor predisposition. Identifiers: Orphanet 140162, MedGen C0027672, MeSH D009386, MONDO:0015356.
Tuberous sclerosis syndrome (TSC). Also called: Tuberous Sclerosis Complex; Tuberous sclerosis. Identifiers: Orphanet 805, MedGen C0041341, MONDO:0001734.
Tuberous sclerosis 2 (TSC2). Identifiers: Orphanet 805, MedGen C1860707, MONDO:0013199, OMIM 613254.

Allele frequency attached by ClinVar (database versions not stated): gnomAD exomes below 0.00001; TOPMed below 0.00001.
gnomAD v4.1: 3 of 1,611,626 alleles (0.00019%); highest among the groups gnomAD compares: East Asian, 0.0022%; no homozygotes.

Submissions (5):

Labcorp Genetics (formerly Invitae), Labcorp
Classification: Likely benign for Tuberous sclerosis 2. Last evaluated: 2026-01-14. Review status: criteria provided, single submitter. Criteria: Invitae Variant Classification Sherloc (09022015). Collection method: clinical testing. Allele origin: germline.

Ambry Genetics
Classification: Uncertain significance for Hereditary cancer-predisposing syndrome. Last evaluated: 2024-04-16. Review status: criteria provided, single submitter. Criteria: Ambry Variant Classification Scheme 2023. Collection method: clinical testing. Allele origin: germline.
Comment: The p.A1108V variant (also known as c.3323C>T), located in coding exon 28 of the TSC2 gene, results from a C to T substitution at nucleotide position 3323. The alanine at codon 1108 is replaced by valine, an amino acid with similar properties. This amino acid position is highly conserved in available vertebrate species. In addition, the in silico prediction for this alteration is inconclusive. Since supporting evidence is limited at this time, the clinical significance of this alteration remains unclear.

All of Us Research Program, National Institutes of Health
Classification: Uncertain significance for Tuberous sclerosis syndrome. Last evaluated: 2023-07-19. Review status: criteria provided, single submitter. Criteria: ACMG Guidelines, 2015. Collection method: clinical testing. Allele origin: germline. Inheritance: Autosomal dominant inheritance. Observed: 1 variant allele, 1 heterozygote.
Comment: This missense variant replaces alanine with valine at codon 1108 of the TSC2 protein. Computational prediction is inconclusive regarding the impact of this variant on protein structure and function (internally defined REVEL score threshold 0.5 < inconclusive < 0.7, PMID: 27666373). To our knowledge, functional studies have not been reported for this variant. This variant has not been reported in individuals affected with TSC2-related disorders in the literature. This variant has been identified in 1/244108 chromosomes in the general population by the Genome Aggregation Database (gnomAD). The available evidence is insufficient to determine the role of this variant in disease conclusively. Therefore, this variant is classified as a Variant of Uncertain Significance.

This study involves interpretation of variants in research participants for the purpose of population health screening. Participant phenotype was not available at the time of variant classification. Additional details can be found in publication PMID: 35346344, PMCID: PMC8962531

Genome-Nilou Lab
Classification: Likely benign for Tuberous sclerosis 2. Last evaluated: 2021-11-07. Review status: criteria provided, single submitter. Criteria: ACMG Guidelines, 2015. Collection method: clinical testing. Allele origin: germline. Affected: no.

GeneDx
Classification: Likely benign. Last evaluated: 2019-05-03. Review status: criteria provided, single submitter. Criteria: GeneDx Variant Classification Process June 2021. Collection method: clinical testing. Allele origin: germline. Affected: yes.